The following is an entry in ClinVar:

ClinVar aggregate classification (germline): Benign/Likely benign. Review status: criteria provided, multiple submitters, no conflicts (2 of 4 stars). 4 submissions from 4 submitters: Benign (1); Likely benign (3). Last evaluated 2025-10-29.

Conditions:
Brugada syndrome. Also called: Sudden unexplained nocturnal death syndrome; Sudden unexpected nocturnal death syndrome; Sudden Unexplained Death Syndrome; Sudden Unexplained Nocturnal Death Syndrome (SUNDS). Identifiers: Orphanet 130, MedGen C1142166, MONDO:0015263.
Cardiovascular phenotype. Identifiers: MedGen CN230736.

Allele frequency attached by ClinVar (database versions not stated): ExAC 0.00005; gnomAD exomes 0.00005 and 0.00010; gnomAD 0.00006 and 0.00007; ESP Exome Variant Server 0.00008; TOPMed 0.00008; 1000 Genomes Project 0.00020; 1000 Genomes Project 30x 0.00031.
gnomAD v4.1: 84 of 1,614,210 alleles (0.0052%); highest among the groups gnomAD compares: Admixed American, 0.018%; no homozygotes.

Submissions (4):

Labcorp Genetics (formerly Invitae), Labcorp
Classification: Likely benign for Brugada syndrome. Last evaluated: 2025-10-29. Review status: criteria provided, single submitter. Criteria: Invitae Variant Classification Sherloc (09022015). Collection method: clinical testing. Allele origin: germline.

Women's Health and Genetics/Laboratory Corporation of America, LabCorp
Classification: Benign. Last evaluated: 2025-04-14. Review status: criteria provided, single submitter. Criteria: LabCorp Variant Classification Summary - May 2015. Collection method: clinical testing. Allele origin: germline.

Ambry Genetics
Classification: Likely benign for Cardiovascular phenotype. Last evaluated: 2019-07-11. Review status: criteria provided, single submitter. Criteria: Ambry Variant Classification Scheme 2023. Collection method: clinical testing. Allele origin: germline.

GeneDx
Classification: Likely benign. Last evaluated: 2017-09-19. Review status: criteria provided, single submitter. Criteria: GeneDx Variant Classification (06012015). Collection method: clinical testing. Allele origin: germline. Affected: yes.
Comment: This variant is considered likely benign or benign based on one or more of the following criteria: it is a conservative change, it occurs at a poorly conserved position in the protein, it is predicted to be benign by multiple in silico algorithms, and/or has population frequency not consistent with disease.

NM_006514.4(SCN10A):c.2703G>A (p.Pro901=)

Gene: SCN10A (sodium voltage-gated channel alpha subunit 10; minus strand). Cytogenetic location: 3p22.2.
Variant type: single nucleotide variant.
Coding change: c.2703G>A on transcript NM_006514.4 (MANE Select); coding-DNA position 2703, G replaced by A.
Protein change: p.Pro901=; no amino-acid change (proline 901 retained).
Molecular consequence: synonymous variant.
Genome position (GRCh38, 1-based): chr3:38,726,990, C>T on the plus strand (G>A on the coding strand, the complement: SCN10A is on the minus strand). VCF-style: chr3-38726990-C-T. GRCh37 (hg19) VCF-style: chr3-38768481-C-T.
Other names: c.2703G>A, p.Pro901= (NM_001293306.2); c.2409G>A, p.Pro803= (NM_001293307.2).
Identifiers: ClinVar variation 512214 (VCV000512214.25), dbSNP rs142531478, ClinGen allele CA2320452.
Genomic context (GRCh38, chr3:38,726,990, plus strand): 5'-GCCAAAGACCTGGATCCGTGCCAGGGCCACCTGCAGGTTGTTCACCTCCCCATCGTCCTC[C>T]GGGGCTGTGAGGTTGTCAGCACTGAAAGAGTTCAATAGCAGGGCGATGAACAGGTTAAGC-3'
Protein context (NP_006505.4, residues 891-911): NSFSADNLTA[Pro901=]EDDGEVNNLQ